The following is an entry in ClinVar:

ClinVar aggregate classification (germline): Conflicting classifications of pathogenicity. Review status: criteria provided, conflicting classifications (1 of 4 stars). 2 submissions from 2 submitters: Uncertain significance (1); Likely benign (1). Last evaluated 2025-08-21.

Conditions:
Hereditary breast ovarian cancer syndrome. Also called: BRCA1- and BRCA2-Associated Hereditary Breast and Ovarian Cancer; Hereditary breast and/or ovarian cancer syndrome; Hereditary breast and ovarian cancer syndrome; Hereditary breast and ovarian cancer; Breast and ovarian cancer; Hereditary breast and ovarian cancer syndrome (HBOC). Identifiers: Orphanet 145, MedGen C0677776, MeSH D061325, MONDO:0003582. Disease mechanism: loss of function.
Hereditary cancer-predisposing syndrome. Also called: Tumor predisposition; Hereditary neoplastic syndrome; Hereditary Cancer Syndrome; Neoplastic Syndromes, Hereditary. Identifiers: Orphanet 140162, MedGen C0027672, MeSH D009386, MONDO:0015356.

Submissions (2):

Ambry Genetics
Classification: Likely benign for Hereditary cancer-predisposing syndrome. Last evaluated: 2025-08-21. Review status: criteria provided, single submitter. Criteria: Ambry Variant Classification Scheme 2023. Collection method: clinical testing. Allele origin: germline.

Labcorp Genetics (formerly Invitae), Labcorp
Classification: Uncertain significance for Hereditary breast ovarian cancer syndrome. Last evaluated: 2019-09-02. Review status: criteria provided, single submitter. Criteria: Invitae Variant Classification Sherloc (09022015). Collection method: clinical testing. Allele origin: germline.
Comment: This sequence change replaces alanine with aspartic acid at codon 2928 of the BRCA2 protein (p.Ala2928Asp). The alanine residue is moderately conserved and there is a moderate physicochemical difference between alanine and aspartic acid. This variant is not present in population databases (ExAC no frequency). This variant has not been reported in the literature in individuals with BRCA2-related conditions. Algorithms developed to predict the effect of missense changes on protein structure and function are either unavailable or do not agree on the potential impact of this missense change (SIFT: "Deleterious"; PolyPhen-2: "Probably Damaging"; Align-GVGD: "Class C15"). In summary, the available evidence is currently insufficient to determine the role of this variant in disease. Therefore, it has been classified as a Variant of Uncertain Significance.

NM_000059.4(BRCA2):c.8783C>A (p.Ala2928Asp)

Gene: BRCA2 (BRCA2 DNA repair associated; plus strand). Cytogenetic location: 13q13.1.
Variant type: single nucleotide variant.
Coding change: c.8783C>A on transcript NM_000059.4 (MANE Select); coding-DNA position 8783, C replaced by A.
Protein change: p.Ala2928Asp; replaces alanine 2928 with aspartic acid.
Molecular consequence: missense variant.
Genome position (GRCh38, 1-based): chr13:32,379,345, C>A. VCF-style: chr13-32379345-C-A. GRCh37 (hg19) VCF-style: chr13-32953482-C-A.
Other names: short protein forms A2928D.
Identifiers: ClinVar variation 935318 (VCV000935318.11), dbSNP rs2072898017, ClinGen allele CA387755869.